The following is an entry in ClinVar:

ClinVar aggregate classification (germline): Uncertain significance (1 of 4 stars; one submission).

gnomAD v4.1: 2 of 1,614,064 alleles (0.00012%); no homozygotes.

Submission:

Labcorp Genetics (formerly Invitae), Labcorp
Classification: Uncertain significance. Last evaluated: 2022-04-06. Review status: criteria provided, single submitter. Criteria: Invitae Variant Classification Sherloc (09022015). Collection method: clinical testing. Allele origin: germline.
Comment: This sequence change replaces serine, which is neutral and polar, with threonine, which is neutral and polar, at codon 850 of the ALPK3 protein (p.Ser850Thr). This variant is not present in population databases (gnomAD no frequency). This variant has not been reported in the literature in individuals affected with ALPK3-related conditions. Algorithms developed to predict the effect of missense changes on protein structure and function (SIFT, PolyPhen-2, Align-GVGD) all suggest that this variant is likely to be tolerated. In summary, the available evidence is currently insufficient to determine the role of this variant in disease. Therefore, it has been classified as a Variant of Uncertain Significance.

NM_020778.5(ALPK3):c.1943G>C (p.Ser648Thr)

Gene: ALPK3 (alpha kinase 3; plus strand). Cytogenetic location: 15q25.3.
Variant type: single nucleotide variant.
Coding change: c.1943G>C on transcript NM_020778.5 (MANE Select); coding-DNA position 1943, G replaced by C.
Protein change: p.Ser648Thr; replaces serine 648 with threonine.
Molecular consequence: missense variant.
Genome position (GRCh38, 1-based): chr15:84,856,681, G>C. VCF-style: chr15-84856681-G-C. GRCh37 (hg19) VCF-style: chr15-85399912-G-C.
Other names: short protein forms S648T.
Identifiers: ClinVar variation 1518584 (VCV001518584.6), dbSNP rs754100615, ClinGen allele CA393355334.